The following is an entry in ClinVar:

ClinVar aggregate classification (germline): Likely benign (0 of 4 stars; one submission).

Conditions:
CENPF-related disorder. Also called: CENPF-related condition.

gnomAD v4.1: 1 of 1,613,556 alleles (0.000062%); highest among the groups gnomAD compares: Non-Finnish European, 0.000085%; no homozygotes.

Submission:

PreventionGenetics, part of Exact Sciences
Classification: Likely benign for CENPF-related condition. Last evaluated: 2019-07-22. Review status: no assertion criteria provided. Collection method: clinical testing. Allele origin: germline.
Comment: This variant is classified as likely benign based on ACMG/AMP sequence variant interpretation guidelines (Richards et al. 2015 PMID: 25741868, with internal and published modifications).

NM_016343.4(CENPF):c.8892T>C (p.Gly2964=)

Gene: CENPF (centromere protein F; plus strand). Cytogenetic location: 1q41.
Variant type: single nucleotide variant.
Coding change: c.8892T>C on transcript NM_016343.4 (MANE Select); coding-DNA position 8892, T replaced by C.
Protein change: p.Gly2964=; no amino-acid change (glycine 2964 retained).
Molecular consequence: synonymous variant.
Genome position (GRCh38, 1-based): chr1:214,657,339, T>C. VCF-style: chr1-214657339-T-C. GRCh37 (hg19) VCF-style: chr1-214830682-T-C.
Identifiers: ClinVar variation 3049627 (VCV003049627.2), dbSNP rs1658666190, ClinGen allele CA423429522.